The following is an entry in ClinVar:

NM_001365951.3(KIF1B):c.1315C>G (p.Leu439Val)

Gene: KIF1B (kinesin family member 1B; plus strand). Cytogenetic location: 1p36.22.
Variant type: single nucleotide variant.
Coding change: c.1315C>G on transcript NM_001365951.3 (MANE Select); coding-DNA position 1315, C replaced by G.
Protein change: p.Leu439Val; replaces leucine 439 with valine.
Molecular consequence: missense variant.
Genome position (GRCh38, 1-based): chr1:10,282,414, C>G. VCF-style: chr1-10282414-C-G. GRCh37 (hg19) VCF-style: chr1-10342472-C-G.
Other names: c.1315C>G, p.Leu439Val (NM_001365952.1); c.1177C>G, p.Leu393Val (NM_001365953.1, NM_015074.3, NM_183416.4); short protein forms L393V, L439V.
Identifiers: ClinVar variation 4858863 (VCV004858863.1).

ClinVar aggregate classification (germline): Uncertain significance (1 of 4 stars; one submission).

Submission:

Ambry Genetics
Classification: Uncertain significance. Last evaluated: 2026-05-14. Review status: criteria provided, single submitter. Criteria: Ambry Variant Classification Scheme 2023. Collection method: clinical testing. Allele origin: germline.
Comment: The p.L393V variant (also known as c.1177C>G), located in coding exon 12 of the KIF1B gene, results from a C to G substitution at nucleotide position 1177. The leucine at codon 393 is replaced by valine, an amino acid with highly similar properties. This amino acid position is conserved. In addition, the in silico prediction for this alteration is inconclusive. Based on the available evidence, the clinical significance of this variant remains unclear.